The following is an entry in ClinVar:

ClinVar aggregate classification (germline): Conflicting classifications of pathogenicity. Review status: criteria provided, conflicting classifications (1 of 4 stars). 9 submissions from 8 submitters: Uncertain significance (2); Likely benign (6). 1 of the submissions does not count toward it. Last evaluated 2025-12-08.

Conditions:
Hereditary spastic paraplegia. Also called: Familial spastic paraparesis. Identifiers: Orphanet 685, MedGen C0037773, MONDO:0019064. Disease mechanism: loss of function.
Amyotrophic lateral sclerosis type 4 (ALS4). Also called: NEURONOPATHY, DISTAL HEREDITARY MOTOR, WITH PYRAMIDAL FEATURES; AMYOTROPHIC LATERAL SCLEROSIS 4, JUVENILE. Identifiers: Orphanet 357043, MedGen C1865409, MONDO:0011223, OMIM 602433.
Spinocerebellar ataxia, autosomal recessive, with axonal neuropathy 2 (SCAN2). Also called: Ataxia-ocular apraxia-2; Ataxia with Oculomotor Apraxia; ATAXIA-OCULOMOTOR APRAXIA 2; Ataxia with Oculomotor Apraxia Type 2. Identifiers: Orphanet 64753, MedGen C1853761, MONDO:0018996, OMIM 606002.
SETX-related disorder. Also called: SETX-related condition; SETX-related disorders. Identifiers: MedGen CN239403.

Allele frequency attached by ClinVar (database versions not stated): gnomAD 0.00004; ESP Exome Variant Server 0.00008; TOPMed 0.00008; gnomAD exomes 0.00011 and 0.00013; ExAC 0.00012.
gnomAD v4.1: 195 of 1,614,074 alleles (0.012%); highest among the groups gnomAD compares: Non-Finnish European, 0.016%; no homozygotes.

Submissions (9):

Women's Health and Genetics/Laboratory Corporation of America, LabCorp
Classification: Likely benign. Last evaluated: 2025-12-08. Review status: criteria provided, single submitter. Criteria: LabCorp Variant Classification Summary - May 2015. Collection method: clinical testing. Allele origin: germline.

Labcorp Genetics (formerly Invitae), Labcorp
Classification: Likely benign for Amyotrophic lateral sclerosis type 4; Spinocerebellar ataxia, autosomal recessive, with axonal neuropathy 2. Last evaluated: 2025-07-08. Review status: criteria provided, single submitter. Criteria: Invitae Variant Classification Sherloc (09022015). Collection method: clinical testing. Allele origin: germline.

Mayo Clinic Laboratories, Mayo Clinic
Classification: Likely benign. Last evaluated: 2024-10-15. Review status: criteria provided, single submitter. Criteria: ACMG Guidelines, 2015. Collection method: clinical testing. Allele origin: germline. Observed: 2 variant alleles.
Comment: BP4, BP7

Blueprint Genetics
Classification: Likely benign. Last evaluated: 2023-10-09. Review status: criteria provided, single submitter. Criteria: ACMG Guidelines, 2015. Collection method: clinical testing. Allele origin: germline.

GeneDx
Classification: Likely benign. Last evaluated: 2021-04-28. Review status: criteria provided, single submitter. Criteria: GeneDx Variant Classification Process June 2021. Collection method: clinical testing. Allele origin: germline. Affected: yes.

Illumina Laboratory Services, Illumina
Classification: Uncertain significance for Spinocerebellar ataxia, autosomal recessive, with axonal neuropathy 2. Last evaluated: 2018-01-13. Review status: criteria provided, single submitter. Criteria: ICSL Variant Classification Criteria 13 December 2019. Collection method: clinical testing. Allele origin: germline.

Illumina Laboratory Services, Illumina
Classification: Likely benign for Amyotrophic lateral sclerosis type 4. Last evaluated: 2018-01-13. Review status: criteria provided, single submitter. Criteria: ICSL Variant Classification Criteria 13 December 2019. Collection method: clinical testing. Allele origin: germline.
Comment: This variant was observed in the ICSL laboratory as part of a predisposition screen in an ostensibly healthy population. It had not been previously curated by ICSL or reported in the Human Gene Mutation Database (HGMD: prior to June 1st, 2018), and was therefore a candidate for classification through an automated scoring system. Utilizing variant allele frequency, disease prevalence and penetrance estimates, and inheritance mode, an automated score was calculated to assess if this variant is too frequent to cause the disease. Based on the score and internal cut-off values, a variant classified as likely benign is not then subjected to further curation. The score for this variant resulted in a classification of likely benign for this disease.

Genome Diagnostics Laboratory, The Hospital for Sick Children
Classification: Uncertain significance for Hereditary spastic paraplegia. Last evaluated: 2017-05-12. Review status: criteria provided, single submitter. Criteria: ACMG Guidelines, 2015. Collection method: clinical testing. Allele origin: germline. Affected: yes.

PreventionGenetics, part of Exact Sciences
Classification: Likely benign for SETX-related condition. Last evaluated: 2019-06-20. Review status: no assertion criteria provided. Collection method: clinical testing. Allele origin: germline. Not counted in ClinVar's aggregate classification.
Comment: This variant is classified as likely benign based on ACMG/AMP sequence variant interpretation guidelines (Richards et al. 2015 PMID: 25741868, with internal and published modifications).

NM_015046.7(SETX):c.6435C>T (p.Ile2145=)

Gene: SETX (senataxin; minus strand). Cytogenetic location: 9q34.13.
Variant type: single nucleotide variant.
Coding change: c.6435C>T on transcript NM_015046.7 (MANE Select); coding-DNA position 6435, C replaced by T.
Protein change: p.Ile2145=; no amino-acid change (isoleucine 2145 retained).
Molecular consequence: synonymous variant.
Genome position (GRCh38, 1-based): chr9:132,283,375, G>A on the plus strand (C>T on the coding strand, the complement: SETX is on the minus strand). VCF-style: chr9-132283375-G-A. GRCh37 (hg19) VCF-style: chr9-135158762-G-A.
Other names: p.Ile2145=; c.6435C>T, p.Ile2145= (NM_001351527.2, NM_001351528.2).
Identifiers: ClinVar variation 913536 (VCV000913536.20), dbSNP rs374110190, ClinGen allele CA5296709.